The following is an entry in ClinVar:

NM_006469.5(IVNS1ABP):c.282-7T>A

Gene: IVNS1ABP (influenza virus NS1A binding protein; minus strand). Cytogenetic location: 1q25.3.
Variant type: single nucleotide variant.
Coding change: c.282-7T>A on transcript NM_006469.5 (MANE Select); 7 bases into the intron before coding-DNA position 282, T replaced by A.
Molecular consequence: intron variant.
Genome position (GRCh38, 1-based): chr1:185,308,882, A>T on the plus strand (T>A on the coding strand, the complement: IVNS1ABP is on the minus strand). VCF-style: chr1-185308882-A-T. GRCh37 (hg19) VCF-style: chr1-185278014-A-T.
Identifiers: ClinVar variation 3029365 (VCV003029365.2), dbSNP rs760594952, ClinGen allele CA1290643.

ClinVar aggregate classification (germline): Likely benign (0 of 4 stars; one submission).

Conditions:
IVNS1ABP-related disorder. Also called: IVNS1ABP-related condition.

Allele frequency attached by ClinVar (database versions not stated): gnomAD 0.00008; TOPMed 0.00008; gnomAD exomes 0.00015; ExAC 0.00025.
gnomAD v4.1: 220 of 1,568,726 alleles (0.014%); highest among the groups gnomAD compares: Non-Finnish European, 0.011%; no homozygotes.

Submission:

PreventionGenetics, part of Exact Sciences
Classification: Likely benign for IVNS1ABP-related condition. Last evaluated: 2024-01-05. Review status: no assertion criteria provided. Collection method: clinical testing. Allele origin: germline.
Comment: This variant is classified as likely benign based on ACMG/AMP sequence variant interpretation guidelines (Richards et al. 2015 PMID: 25741868, with internal and published modifications).